The following is an entry in ClinVar:

ClinVar aggregate classification (germline): Pathogenic (1 of 4 stars; one submission).

Conditions:
Werner syndrome (WRN). Identifiers: Orphanet 902, MedGen C0043119, MONDO:0010196, OMIM 277700.

Allele frequency attached by ClinVar (database versions not stated): gnomAD exomes below 0.00001.

Submission:

Labcorp Genetics (formerly Invitae), Labcorp
Classification: Pathogenic for Werner syndrome. Last evaluated: 2021-06-25. Review status: criteria provided, single submitter. Criteria: Invitae Variant Classification Sherloc (09022015). Collection method: clinical testing. Allele origin: germline.
Comment: This sequence change creates a premature translational stop signal (p.Asp352Glyfs*5) in the WRN gene. It is expected to result in an absent or disrupted protein product. Loss-of-function variants in WRN are known to be pathogenic (PMID: 16673358). This variant is not present in population databases (ExAC no frequency). This variant has not been reported in the literature in individuals with WRN-related conditions. For these reasons, this variant has been classified as Pathogenic.

Literature cited by the submitters: PubMed 16673358.

NM_000553.6(WRN):c.1054dup (p.Asp352fs)

Gene: WRN (WRN RecQ like helicase; plus strand). Cytogenetic location: 8p12.
Variant type: Duplication.
Coding change: c.1054dup on transcript NM_000553.6 (MANE Select); coding-DNA position 1054, one base duplicated (G; older notation c.1054dupG).
Protein change: p.Asp352fs; shifts the reading frame from aspartic acid 352.
Molecular consequence: frameshift variant.
Genome position (GRCh38, 1-based): chr8:31,081,081, G duplicated. VCF-style (leftmost placement, unchanged base first): chr8-31081080-T-TG. GRCh37 (hg19) VCF-style: chr8-30938596-T-TG.
Other names: short protein forms D352fs.
Identifiers: ClinVar variation 1433963 (VCV001433963.6), dbSNP rs2130119420, ClinGen allele CA2573142706.